The following is an entry in ClinVar:

NM_020812.4(DOCK6):c.2766C>T (p.Ala922=)

Gene: DOCK6 (dedicator of cytokinesis 6; minus strand). Cytogenetic location: 19p13.2.
Variant type: single nucleotide variant.
Coding change: c.2766C>T on transcript NM_020812.4 (MANE Select); coding-DNA position 2766, C replaced by T.
Protein change: p.Ala922=; no amino-acid change (alanine 922 retained).
Molecular consequence: synonymous variant.
Genome position (GRCh38, 1-based): chr19:11,228,988, G>A on the plus strand (C>T on the coding strand, the complement: DOCK6 is on the minus strand). VCF-style: chr19-11228988-G-A. GRCh37 (hg19) VCF-style: chr19-11339664-G-A.
Other names: c.2871C>T, p.Ala957= (NM_001367830.1).
Identifiers: ClinVar variation 717114 (VCV000717114.34), dbSNP rs372509134, ClinGen allele CA9207497.
Genomic context (GRCh38, chr19:11,228,988, plus strand): 5'-AGGGGGTCTCACCATGAGCTGGAAGAAGAACCAGGCGTGCTGGAGGATGGCCTCGCGTAC[G>A]GCACTGCTGCTGACCACCCACTGCAGAGCCAGCTCCTCGTGAAGCAGCTGGGGACAGAGG-3'
Protein context (NP_065863.2, residues 912-932): LALQWVVSSS[Ala922=]VREAILQHAW

ClinVar aggregate classification (germline): Likely benign. Review status: criteria provided, multiple submitters, no conflicts (2 of 4 stars). 3 submissions from 3 submitters: Likely benign (3). Last evaluated 2025-12-21.

Allele frequency attached by ClinVar (database versions not stated): 1000 Genomes Project 30x 0.00031; gnomAD 0.00056 and 0.00057; TOPMed 0.00058; 1000 Genomes Project 0.00060; ExAC 0.00069; ESP Exome Variant Server 0.00086.

Submissions (3):

Labcorp Genetics (formerly Invitae), Labcorp
Classification: Likely benign. Last evaluated: 2025-12-21. Review status: criteria provided, single submitter. Criteria: Invitae Variant Classification Sherloc (09022015). Collection method: clinical testing. Allele origin: germline.

Blueprint Genetics
Classification: Likely benign. Last evaluated: 2024-10-24. Review status: criteria provided, single submitter. Criteria: ACMG Guidelines, 2015. Collection method: clinical testing. Allele origin: germline.

CeGaT Center for Human Genetics Tuebingen
Classification: Likely benign. Last evaluated: 2024-10-01. Review status: criteria provided, single submitter. Criteria: CeGaT Center For Human Genetics Tuebingen Variant Classification Criteria Version 2. Collection method: clinical testing. Allele origin: germline. Affected: yes. Observed: 6 variant alleles.
Comment: DOCK6: BP4, BP7